The following is an entry in ClinVar:

ClinVar aggregate classification (germline): Pathogenic (1 of 4 stars; one submission).

Conditions:
Interstitial lung disease due to ABCA3 deficiency. Also called: PULMONARY ALVEOLAR PROTEINOSIS, CONGENITAL, 3. Identifiers: Orphanet 440402, MedGen C1970456, MONDO:0012582, OMIM 610921.

Submission:

Myriad Genetics, Inc.
Classification: Pathogenic for Interstitial lung disease due to ABCA3 deficiency. Last evaluated: 2025-09-24. Review status: criteria provided, single submitter. Criteria: Myriad Autosomal Dominant, Autosomal Recessive and X-Linked Classification Criteria (2023). Collection method: clinical testing. Allele origin: unknown.
Comment: NM_001089.2(ABCA3):c.3544delC(L1182Cfs*17) is expected to be pathogenic in the context of surfactant deficiency, ABCA3-related. This variant is predicted to lead to an abnormal or absent protein product due to the creation of a premature termination codon in ABCA3, a gene where loss-of-function variants are known to be pathogenic. Please note: this variant was assessed in the context of healthy population screening.

NM_001089.3(ABCA3):c.3544del (p.Leu1182fs)

Gene: ABCA3 (ATP binding cassette subfamily A member 3; minus strand). Cytogenetic location: 16p13.3.
Variant type: Deletion.
Coding change: c.3544del on transcript NM_001089.3 (MANE Select); coding-DNA position 3544, one base deleted (C; older notation c.3544delC).
Protein change: p.Leu1182fs; shifts the reading frame from leucine 1182.
Molecular consequence: frameshift variant.
Genome position (GRCh38, 1-based): chr16:2,284,938, G deleted on the plus strand (C on the coding strand, the reverse complement: ABCA3 is on the minus strand); the first of 3 consecutive G bases (chr16:2,284,938-2,284,940); deleting any one gives the same sequence. VCF-style (leftmost placement, unchanged base first): chr16-2284937-AG-A. GRCh37 (hg19) VCF-style: chr16-2334938-AG-A.
Other names: short protein forms L1182fs.
Identifiers: ClinVar variation 5015016 (VCV005015016.1).